The following is an entry in ClinVar:

NM_032043.3(BRIP1):c.319C>T (p.His107Tyr)

Gene: BRIP1 (BRCA1 interacting DNA helicase 1; minus strand). Cytogenetic location: 17q23.2.
Variant type: single nucleotide variant.
Coding change: c.319C>T on transcript NM_032043.3 (MANE Select); coding-DNA position 319, C replaced by T.
Protein change: p.His107Tyr; replaces histidine 107 with tyrosine.
Molecular consequence: missense variant.
Genome position (GRCh38, 1-based): chr17:61,857,118, G>A on the plus strand (C>T on the coding strand, the complement: BRIP1 is on the minus strand). VCF-style: chr17-61857118-G-A. GRCh37 (hg19) VCF-style: chr17-59934479-G-A.
Other names: short protein forms H107Y.
Identifiers: ClinVar variation 927608 (VCV000927608.16), dbSNP rs2078907400, ClinGen allele CA400485383.

ClinVar aggregate classification (germline): Uncertain significance. Review status: criteria provided, multiple submitters, no conflicts (2 of 4 stars). 3 submissions from 3 submitters: Uncertain significance (3). Last evaluated 2023-12-04.

Conditions:
Hereditary cancer-predisposing syndrome. Also called: Tumor predisposition; Neoplastic Syndromes, Hereditary; Hereditary neoplastic syndrome; Hereditary Cancer Syndrome. Identifiers: Orphanet 140162, MedGen C0027672, MeSH D009386, MONDO:0015356.
Familial cancer of breast. Also called: Hereditary breast cancer; BREAST CANCER, FAMILIAL; hereditary breast carcinoma. Identifiers: Orphanet 227535, MedGen C0346153, MONDO:0016419, OMIM 114480. Disease mechanism: loss of function.
Fanconi anemia complementation group J. Also called: BRIP1-Related Fanconi Anemia. Identifiers: Orphanet 84, MedGen C1836860, MONDO:0012187, OMIM 609054.

gnomAD v4.1: 2 of 1,614,118 alleles (0.00012%); highest among the groups gnomAD compares: East Asian, 0.0045%; no homozygotes.

Submissions (3):

Color Diagnostics, LLC DBA Color Health
Classification: Uncertain significance for Hereditary cancer-predisposing syndrome. Last evaluated: 2023-12-04. Review status: criteria provided, single submitter. Criteria: ACMG Guidelines, 2015. Collection method: clinical testing. Allele origin: germline.
Comment: This missense variant replaces histidine with tyrosine at codon 107 of the BRIP1 protein. Computational prediction suggests that this variant may not impact protein structure and function (internally defined REVEL score threshold <= 0.5, PMID: 27666373). To our knowledge, functional studies have not been reported for this variant. This variant has not been reported in individuals affected with BRIP1-related disorders in the literature. This variant has not been identified in the general population by the Genome Aggregation Database (gnomAD). The available evidence is insufficient to determine the role of this variant in disease conclusively. Therefore, this variant is classified as a Variant of Uncertain Significance.

Blueprint Genetics
Classification: Uncertain significance. Last evaluated: 2023-03-28. Review status: criteria provided, single submitter. Criteria: ACMG Guidelines, 2015. Collection method: clinical testing. Allele origin: germline.

Labcorp Genetics (formerly Invitae), Labcorp
Classification: Uncertain significance for Familial cancer of breast; Fanconi anemia complementation group J. Last evaluated: 2021-01-19. Review status: criteria provided, single submitter. Criteria: Invitae Variant Classification Sherloc (09022015). Collection method: clinical testing. Allele origin: germline.
Comment: This sequence change replaces histidine with tyrosine at codon 107 of the BRIP1 protein (p.His107Tyr). The histidine residue is weakly conserved and there is a moderate physicochemical difference between histidine and tyrosine. This variant is not present in population databases (ExAC no frequency). This variant has not been reported in the literature in individuals with BRIP1-related conditions. Algorithms developed to predict the effect of missense changes on protein structure and function are either unavailable or do not agree on the potential impact of this missense change (SIFT: "Tolerated"; PolyPhen-2: "Possibly Damaging"; Align-GVGD: "Class C0"). In summary, the available evidence is currently insufficient to determine the role of this variant in disease. Therefore, it has been classified as a Variant of Uncertain Significance.